The following is an entry in ClinVar:

ClinVar aggregate classification (germline): Uncertain significance (1 of 4 stars; one submission).

Conditions:
Hereditary cancer-predisposing syndrome. Also called: Tumor predisposition; Neoplastic Syndromes, Hereditary; Hereditary Cancer Syndrome; Hereditary neoplastic syndrome. Identifiers: Orphanet 140162, MedGen C0027672, MeSH D009386, MONDO:0015356.

gnomAD v4.1: 3 of 1,612,118 alleles (0.00019%); highest among the groups gnomAD compares: South Asian, 0.0033%; 1 homozygote.

Submission:

Ambry Genetics
Classification: Uncertain significance for Hereditary cancer-predisposing syndrome. Last evaluated: 2024-12-15. Review status: criteria provided, single submitter. Criteria: Ambry Variant Classification Scheme 2023. Collection method: clinical testing. Allele origin: germline.
Comment: The p.A194G variant (also known as c.581C>G), located in coding exon 4 of the NTHL1 gene, results from a C to G substitution at nucleotide position 581. The alanine at codon 194 is replaced by glycine, an amino acid with similar properties. This amino acid position is conserved. In addition, this alteration is predicted to be tolerated by in silico analysis. Based on the available evidence, the clinical significance of this variant remains unclear.

NM_002528.7(NTHL1):c.557C>G (p.Ala186Gly)

Gene: NTHL1 (nth like DNA glycosylase 1; minus strand). Cytogenetic location: 16p13.3.
Variant type: single nucleotide variant.
Coding change: c.557C>G on transcript NM_002528.7 (MANE Select); coding-DNA position 557, C replaced by G.
Protein change: p.Ala186Gly; replaces alanine 186 with glycine.
Molecular consequence: missense variant.
Genome position (GRCh38, 1-based): chr16:2,043,695, G>C on the plus strand (C>G on the coding strand, the complement: NTHL1 is on the minus strand). VCF-style: chr16-2043695-G-C. GRCh37 (hg19) VCF-style: chr16-2093696-G-C.
Other names: c.386C>G, p.Ala129Gly (NM_001318193.2); c.227C>G, p.Ala76Gly (NM_001318194.2); short protein forms A129G, A76G, A186G.
Identifiers: ClinVar variation 3881349 (VCV003881349.1).